The following is an entry in ClinVar:

ClinVar aggregate classification (germline): Uncertain significance. Review status: criteria provided, multiple submitters, no conflicts (2 of 4 stars). 2 submissions from 2 submitters: Uncertain significance (2). Last evaluated 2023-12-20.

Conditions:
Charcot-Marie-Tooth disease type 2. Also called: Charcot-Marie-Tooth type 2. Identifiers: Orphanet 64746, MedGen C0270914, MONDO:0018993.

Submissions (2):

ARUP Laboratories, Molecular Genetics and Genomics, ARUP Laboratories
Classification: Uncertain significance. Last evaluated: 2023-12-20. Review status: criteria provided, single submitter. Criteria: ARUP Molecular Germline Variant Investigation Process 2024. Collection method: clinical testing. Allele origin: germline.
Comment: The MFN2 c.1161G>C; p.Gln387His variant, to our knowledge, is not reported in the medical literature or gene specific databases. However, a different variant causing the same missense change (c.1161G>T; p.Gln387His) is reported in ClinVar (Variation ID: 1442712). This variant is absent from the Genome Aggregation Database (v2.1.1), indicating it is not a common polymorphism. Computational analyses are uncertain whether this missense variant is neutral or deleterious (REVEL: 0.253). This variant is located at the first nucleotide of exon 12 and is predicted to weaken the nearby acceptor splice site (Alamut Visual Plus v.1.5.1). Due to limited information, the clinical significance of this variant is uncertain at this time.

Labcorp Genetics (formerly Invitae), Labcorp
Classification: Uncertain significance for Charcot-Marie-Tooth disease type 2. Last evaluated: 2022-12-31. Review status: criteria provided, single submitter. Criteria: Invitae Variant Classification Sherloc (09022015). Collection method: clinical testing. Allele origin: germline.
Comment: This sequence change replaces glutamine, which is neutral and polar, with histidine, which is basic and polar, at codon 387 of the MFN2 protein (p.Gln387His). This variant is not present in population databases (gnomAD no frequency). This variant has not been reported in the literature in individuals affected with MFN2-related conditions. Algorithms developed to predict the effect of missense changes on protein structure and function (SIFT, PolyPhen-2, Align-GVGD) all suggest that this variant is likely to be tolerated. Algorithms developed to predict the effect of sequence changes on RNA splicing suggest that this variant may create or strengthen a splice site. In summary, the available evidence is currently insufficient to determine the role of this variant in disease. Therefore, it has been classified as a Variant of Uncertain Significance.

NM_014874.4(MFN2):c.1161G>C (p.Gln387His)

Gene: MFN2 (mitofusin 2; plus strand). Cytogenetic location: 1p36.22.
Variant type: single nucleotide variant.
Coding change: c.1161G>C on transcript NM_014874.4 (MANE Select); coding-DNA position 1161, G replaced by C.
Protein change: p.Gln387His; replaces glutamine 387 with histidine.
Molecular consequence: missense variant.
Genome position (GRCh38, 1-based): chr1:12,003,992, G>C. VCF-style: chr1-12003992-G-C. GRCh37 (hg19) VCF-style: chr1-12064049-G-C.
Other names: c.1161G>C, p.Gln387His (NM_001127660.2); short protein forms Q387H.
Identifiers: ClinVar variation 2825552 (VCV002825552.4), dbSNP rs2100847056, ClinGen allele CA338444649.
Genomic context (GRCh38, chr1:12,003,992, plus strand): 5'-TCTTGCTCCTCTGCTTAGTCAGACAGGAACATGGATTTCTCACCAGTACTCTGCTTTCAG[G>C]GTTTACTGCGAGGAAATGCGTGAAGAGCGGCAAGACCGACTGAAATTTATTGACAAACAG-3'
Protein context (NP_055689.1, residues 377-397): DSLHMAAREQ[Gln387His]VYCEEMREER